The following is an entry in ClinVar:

NM_000256.3(MYBPC3):c.2738-2A>C

Gene: MYBPC3 (myosin binding protein C3; minus strand). Cytogenetic location: 11p11.2.
Variant type: single nucleotide variant.
Coding change: c.2738-2A>C on transcript NM_000256.3 (MANE Select); the canonical splice acceptor site of the intron before coding-DNA position 2738, A replaced by C.
Molecular consequence: splice acceptor variant.
Genome position (GRCh38, 1-based): chr11:47,335,211, T>G on the plus strand (A>C on the coding strand, the complement: MYBPC3 is on the minus strand). VCF-style: chr11-47335211-T-G. GRCh37 (hg19) VCF-style: chr11-47356762-T-G.
Identifiers: ClinVar variation 4709825 (VCV004709825.2).

ClinVar aggregate classification (germline): Pathogenic/Likely pathogenic. Review status: criteria provided, multiple submitters, no conflicts (2 of 4 stars). 2 submissions from 2 submitters: Pathogenic (1); Likely pathogenic (1). Last evaluated 2025-11-10.

Conditions:
MYBPC3-related disorder. Also called: MYBPC3-related condition; MYBPC3-related disease; MYBPC3-related disorders.
Hypertrophic cardiomyopathy. Also called: HYPERTROPHIC MYOCARDIOPATHY. Identifiers: Orphanet 217569, MedGen C0007194, MeSH D002312, MONDO:0005045, HP:0001639.

Submissions (2):

Labcorp Genetics (formerly Invitae), Labcorp
Classification: Pathogenic for Hypertrophic cardiomyopathy. Last evaluated: 2025-11-10. Review status: criteria provided, single submitter. Criteria: Invitae Variant Classification Sherloc (09022015). Collection method: clinical testing. Allele origin: germline.
Comment: This sequence change affects an acceptor splice site in intron 26 of the MYBPC3 gene. It is expected to disrupt RNA splicing. Variants that disrupt the donor or acceptor splice site typically lead to a loss of protein function (PMID: 16199547), and loss-of-function variants in MYBPC3 are known to be pathogenic (PMID: 19574547). This variant is not present in population databases (gnomAD no frequency). Disruption of this splice site has been observed in individuals with hypertrophic cardiomyopathy (PMID: 23283745, 24793961, 27532257, 28615295, 37652022). Algorithms developed to predict the effect of sequence changes on RNA splicing suggest that this variant may disrupt the consensus splice site. For these reasons, this variant has been classified as Pathogenic.

Blueprint Genetics
Classification: Likely pathogenic for MYBPC3-related disorders. Last evaluated: 2024-07-03. Review status: criteria provided, single submitter. Criteria: ACMG Guidelines, 2015. Collection method: clinical testing. Allele origin: germline. Affected: yes. Observed: 1 variant allele.

Literature cited by the submitters: PubMed 16199547 (cited by Labcorp Genetics (formerly Invitae), Labcorp); PubMed 19574547 (cited by Labcorp Genetics (formerly Invitae), Labcorp); PubMed 23283745 (cited by Labcorp Genetics (formerly Invitae), Labcorp); PubMed 24793961 (cited by Labcorp Genetics (formerly Invitae), Labcorp); PubMed 27532257 (cited by Labcorp Genetics (formerly Invitae), Labcorp); PubMed 28615295 (cited by Labcorp Genetics (formerly Invitae), Labcorp); PubMed 37652022 (cited by Labcorp Genetics (formerly Invitae), Labcorp).